The following is an entry in ClinVar:

NM_001377.3(DYNC2H1):c.12646A>T (p.Lys4216Ter)

Gene: DYNC2H1 (dynein cytoplasmic 2 heavy chain 1; plus strand). Cytogenetic location: 11q22.3.
Variant type: single nucleotide variant.
Coding change: c.12646A>T on transcript NM_001377.3 (MANE Select); coding-DNA position 12646, A replaced by T.
Protein change: p.Lys4216Ter; replaces lysine 4216 with a stop codon.
Molecular consequence: nonsense.
Genome position (GRCh38, 1-based): chr11:103,456,354, A>T. VCF-style: chr11-103456354-A-T. GRCh37 (hg19) VCF-style: chr11-103327082-A-T.
Other names: c.12667A>T, p.Lys4223Ter (NM_001080463.2); short protein forms K4216*, K4223*.
Identifiers: ClinVar variation 5014587 (VCV005014587.1).

ClinVar aggregate classification (germline): Pathogenic (1 of 4 stars; one submission).

Conditions:
Asphyxiating thoracic dystrophy 3. Also called: SHORT-RIB THORACIC DYSPLASIA 3 WITH OR WITHOUT POLYDACTYLY; POLYDACTYLY WITH NEONATAL CHONDRODYSTROPHY, TYPE I; SHORT-RIB THORACIC DYSPLASIA 3/6 WITH POLYDACTYLY, DIGENIC; Short rib polydactyly syndrome 2B; Saldino-Noonan Syndrome. Identifiers: Orphanet 474, Orphanet 93269, Orphanet 93270, Orphanet 93271, MedGen C0036069, MONDO:0013127, OMIM 613091.

Submission:

Myriad Genetics, Inc.
Classification: Pathogenic for Asphyxiating thoracic dystrophy 3. Last evaluated: 2025-06-11. Review status: criteria provided, single submitter. Criteria: Myriad Autosomal Dominant, Autosomal Recessive and X-Linked Classification Criteria (2023). Collection method: clinical testing. Allele origin: unknown.
Comment: NM_001377.2(DYNC2H1):c.12646A>T(K4216*) is expected to be pathogenic in the context of DYNC2H1-related disorders. This variant is predicted to lead to an abnormal or absent protein product due to the creation of a premature termination codon in DYNC2H1, a gene where loss-of-function variants are known to be pathogenic. Please note: this variant was assessed in the context of healthy population screening.